The following is an entry in ClinVar:

ClinVar aggregate classification (germline): Uncertain significance (1 of 4 stars; one submission).

Conditions:
Hereditary cancer-predisposing syndrome. Also called: Neoplastic Syndromes, Hereditary; Tumor predisposition; Hereditary Cancer Syndrome; Hereditary neoplastic syndrome. Identifiers: Orphanet 140162, MedGen C0027672, MeSH D009386, MONDO:0015356.

Submission:

Ambry Genetics
Classification: Uncertain significance for Hereditary cancer-predisposing syndrome. Last evaluated: 2026-03-10. Review status: criteria provided, single submitter. Criteria: Ambry Variant Classification Scheme 2023. Collection method: clinical testing. Allele origin: germline.
Comment: The p.S73I variant (also known as c.218G>T), located in coding exon 2 of the MITF gene, results from a G to T substitution at nucleotide position 218. The serine at codon 73 is replaced by isoleucine, an amino acid with dissimilar properties. This amino acid position is conserved. In addition, this alteration is predicted to be deleterious by in silico analysis. Based on the available evidence, the clinical significance of this variant remains unclear.

NM_001354604.2(MITF):c.539G>T (p.Ser180Ile)

Gene: MITF (melanocyte inducing transcription factor; plus strand). Cytogenetic location: 3p13.
Variant type: single nucleotide variant.
Coding change: c.539G>T on transcript NM_001354604.2 (MANE Select); coding-DNA position 539, G replaced by T.
Protein change: p.Ser180Ile; replaces serine 180 with isoleucine.
Molecular consequence: missense variant. On other transcripts: intron variant (1).
Genome position (GRCh38, 1-based): chr3:69,938,006, G>T. VCF-style: chr3-69938006-G-T. GRCh37 (hg19) VCF-style: chr3-69987157-G-T.
Other names: c.218G>T, p.Ser73Ile (NM_000248.4, NM_001184968.2, NM_198158.3); c.383G>T, p.Ser128Ile (NM_001184967.2, NM_001354608.2); c.536G>T, p.Ser179Ile (NM_001354605.2, NM_001354606.2, NM_006722.3); c.488G>T, p.Ser163Ile (NM_001354607.2); c.539G>T, p.Ser180Ile (NM_198159.3); c.491G>T, p.Ser164Ile (NM_198177.3); c.93+125G>T (NM_198178.3); short protein forms S128I, S179I, S163I, S164I, S180I, S73I.
Identifiers: ClinVar variation 4825810 (VCV004825810.1).